The following is an entry in ClinVar:

NM_001042492.3(NF1):c.4532T>G (p.Leu1511Arg)

Gene: NF1 (neurofibromin 1; plus strand). Cytogenetic location: 17q11.2.
Variant type: single nucleotide variant.
Coding change: c.4532T>G on transcript NM_001042492.3 (MANE Select); coding-DNA position 4532, T replaced by G.
Protein change: p.Leu1511Arg; replaces leucine 1511 with arginine.
Molecular consequence: missense variant.
Genome position (GRCh38, 1-based): chr17:31,260,470, T>G. VCF-style: chr17-31260470-T-G. GRCh37 (hg19) VCF-style: chr17-29587488-T-G.
Other names: c.4469T>G, p.Leu1490Arg (NM_000267.4); short protein forms L1490R, L1511R.
Identifiers: ClinVar variation 431646 (VCV000431646.10), dbSNP rs1135402864, ClinGen allele CA398999724.

ClinVar aggregate classification (germline): Likely pathogenic. Review status: criteria provided, multiple submitters, no conflicts (2 of 4 stars). 3 submissions from 3 submitters: Likely pathogenic (3). Last evaluated 2022-08-17.

Conditions:
Hereditary cancer-predisposing syndrome. Also called: Hereditary neoplastic syndrome; Tumor predisposition; Neoplastic Syndromes, Hereditary; Hereditary Cancer Syndrome. Identifiers: Orphanet 140162, MedGen C0027672, MeSH D009386, MONDO:0015356.
Cardiovascular phenotype. Identifiers: MedGen CN230736.
Neurofibromatosis, type 1 (NF1). Also called: Neurofibromatosis, type I; NEUROFIBROMATOSIS, TYPE I, SOMATIC; Peripheral type neurofibromatosis; VON RECKLINGHAUSEN DISEASE. Identifiers: Orphanet 636, MedGen C0027831, MONDO:0018975, OMIM 162200. Disease mechanism: loss of function.

Submissions (3):

Medical Genetics, University of Parma
Classification: Likely pathogenic for Neurofibromatosis, type 1. Last evaluated: 2022-08-17. Review status: criteria provided, single submitter. Criteria: ACMG Guidelines, 2015. Collection method: clinical testing. Allele origin: germline. Inheritance: Autosomal dominant inheritance. Affected: yes.

Labcorp Genetics (formerly Invitae), Labcorp
Classification: Likely pathogenic for Neurofibromatosis, type 1. Last evaluated: 2021-12-01. Review status: criteria provided, single submitter. Criteria: Invitae Variant Classification Sherloc (09022015). Collection method: clinical testing. Allele origin: germline.
Comment: Advanced modeling of protein sequence and biophysical properties (such as structural, functional, and spatial information, amino acid conservation, physicochemical variation, residue mobility, and thermodynamic stability) performed at Invitae indicates that this missense variant is expected to disrupt NF1 protein function. This variant disrupts the p.Leu1490 amino acid residue in NF1. Other variant(s) that disrupt this residue have been determined to be pathogenic (PMID: 25541118, 26635368, 29914388, 31717729). This suggests that this residue is clinically significant, and that variants that disrupt this residue are likely to be disease-causing. In summary, the currently available evidence indicates that the variant is pathogenic, but additional data are needed to prove that conclusively. Therefore, this variant has been classified as Likely Pathogenic. ClinVar contains an entry for this variant (Variation ID: 431646). This missense change has been observed in individual(s) with clinical features of neurofibromatosis type I (PMID: 28961165). This variant is not present in population databases (gnomAD no frequency). This sequence change replaces leucine, which is neutral and non-polar, with arginine, which is basic and polar, at codon 1490 of the NF1 protein (p.Leu1490Arg).

Ambry Genetics
Classification: Likely pathogenic for Cardiovascular phenotype; Hereditary cancer-predisposing syndrome. Last evaluated: 2018-01-31. Review status: criteria provided, single submitter. Criteria: Ambry Variant Classification Scheme 2023. Collection method: clinical testing. Allele origin: germline.
Comment: The p.L1490R variant (also known as c.4469T>G), located in coding exon 33 of the NF1 gene, results from a T to G substitution at nucleotide position 4469. The leucine at codon 1490 is replaced by arginine, an amino acid with dissimilar properties. In one study, this alteration was reportedly de novo in an individual with a clinical diagnosis of Neurofibromatosis type 1 (NF1) (Bonatti F et al. Int J Mol Sci, 2017 Sep;18:). Two different alterations located at the same position, p.L1490P and p.L1490F, have been detected in individuals with diagnoses of NF1 (van Minkelen R et al. Clin. Genet., 2014 Apr;85:318-27; Duat Rodr&iacute;guez A et al. An Pediatr (Barc), 2015 Sep;83:173-82). This amino acid position is highly conserved in available vertebrate species. In addition, this alteration is predicted to be deleterious by in silico analysis. Based on the majority of available evidence to date, this variant is likely to be pathogenic.

Literature cited by the submitters: PubMed 25541118 (cited by Labcorp Genetics (formerly Invitae), Labcorp); PubMed 26635368 (cited by Labcorp Genetics (formerly Invitae), Labcorp); PubMed 29914388 (cited by Labcorp Genetics (formerly Invitae), Labcorp); PubMed 31717729 (cited by Labcorp Genetics (formerly Invitae), Labcorp); PubMed 28961165 (cited by Labcorp Genetics (formerly Invitae), Labcorp).